The following continues an entry in ClinVar:

NM_007194.4(CHEK2):c.58C>T (p.Gln20Ter)

Gene: CHEK2. ClinVar aggregate classification (germline): Pathogenic/Likely pathogenic. Pathogenic (10); Likely pathogenic (4).

Submissions 12 to 23 of 23:

Revvity Omics, Revvity
Classification: Pathogenic. Last evaluated: 2019-03-08. Review status: criteria provided, single submitter. Criteria: ACMG Guidelines, 2015. Collection method: clinical testing. Allele origin: germline.

Juno Genomics, Hangzhou Juno Genomics, Inc
Classification: Pathogenic for CHEK2-related cancer predisposition; Bone osteosarcoma; Familial cancer of breast; Familial prostate cancer. Review status: criteria provided, single submitter. Criteria: ACMG Guidelines, 2015. Collection method: clinical testing. Allele origin: germline. Affected: yes.
Comment: Absent from controls (or at extremely low frequency if recessive) in Genome Aggregation Database, Exome Sequencing Project, 1000 Genomes Project, or Exome Aggregation Consortium.;The prevalence of the variant in affected individuals is significantly increased compared to the prevalence in controls.;Null variant in a gene where loss of function (LOF) is a known mechanism of disease.

University Health Network, Familial Cancer Clinic, Princess Margaret Cancer Centre
Classification: Likely pathogenic for CHEK2-related cancer predisposition. Review status: criteria provided, single submitter. Criteria: ACMG Guidelines, 2015. Collection method: clinical testing. Allele origin: germline. Inheritance: Autosomal dominant inheritance. Affected: yes. Observed: 1 variant allele.

Biotechnology, Institute of Science, Nirma University
Classification: Pathogenic for Familial cancer of breast. Last evaluated: 2023-10-26. Review status: no assertion criteria provided. Collection method: clinical testing. Allele origin: germline. Inheritance: Autosomal dominant inheritance. Affected: no. Observed: 1 variant allele, 1 heterozygote. Not counted in ClinVar's aggregate classification.
Comment: The CHEK2 constitutional genetic variant leads to a premature truncation of the protein at 20 amino acids leading to loss of the domains crucial for the interaction of proteins like ATM/BRCA2 which are master regulator of the DNA damage repair pathways. Hence, keeping in view the functional effect the variant has been classified pathogenic.

Medical Genetics Laboratory, Umraniye Training and Research Hospital, University of Health Sciences
Classification: Pathogenic for Breast carcinoma. Last evaluated: 2021-09-12. Review status: no assertion criteria provided. Collection method: clinical testing. Allele origin: germline. Inheritance: Autosomal dominant inheritance. Affected: yes. Observed: 1 heterozygote. Not counted in ClinVar's aggregate classification.

Counsyl
Classification: Pathogenic for Familial cancer of breast. Last evaluated: 2017-06-05. Review status: no assertion criteria provided. Collection method: clinical testing. Allele origin: unknown. Not counted in ClinVar's aggregate classification.

ITMI
No classification provided. Condition: AllHighlyPenetrant. Last evaluated: 2013-09-19. Review status: no classification provided. Collection method: reference population. Allele origin: germline. Not counted in ClinVar's aggregate classification.
Comment: Please see associated publication for description of ethnicities

Clinical Genetics DNA and cytogenetics Diagnostics Lab, Erasmus MC, Erasmus Medical Center
Classification: Pathogenic. Review status: no assertion criteria provided. Collection method: clinical testing. Allele origin: germline. Affected: yes. Study: VKGL Data-share Consensus. Not counted in ClinVar's aggregate classification.

Department of Pathology and Laboratory Medicine, Sinai Health System
Classification: Pathogenic for Familial ovarian cancer. Review status: no assertion criteria provided. Collection method: clinical testing. Allele origin: unknown. Affected: yes. Study: The Canadian Open Genetics Repository (COGR). Not counted in ClinVar's aggregate classification.
Comment: The CHEK2 p.Gln20* variant was identified in 2 of 858 proband chromosomes (frequency: 0.002) from individuals or families with breast or ovarian cancer (Baloch 2016, Foley 2014). The variant was also identified in dbSNP (ID: rs536907995) as "With Pathogenic allele", and in ClinVar (classified as likely pathogenic by GeneDx, Color Genomics; as pathogenic by Invitae, Counsyl). The variant was not identified in the Zhejiang University database. The variant was identified in control databases in 36 of 242162 chromosomes at a frequency of 0.0002 (Genome Aggregation Database Feb 27, 2017). It was observed in the South Asian population in 36 of 30708 chromosomes (freq: 0.001); it was not observed in the African, Other, Latino, European, Ashkenazi Jewish, East Asian, and Finnish populations. The c.58C>T variant leads to a premature stop codon at position 20 which is predicted to lead to a truncated or absent protein and loss of function. Loss of function variants of the CHEK2 gene are an established mechanism of disease in CHEK2-associated cancers and is the type of variant expected to cause the disorder. The variant occurs outside of the splicing consensus sequence and in silico or computational prediction software programs (SpliceSiteFinder, MaxEntScan, NNSPLICE, GeneSplicer, HumanSpliceFinder) do not predict a difference in splicing. In summary, based on the above information this variant meets our laboratoryâ€šÃ„Ã´s criteria to be classified as pathogenic.

Genome Diagnostics Laboratory, Amsterdam University Medical Center
Classification: Pathogenic. Review status: no assertion criteria provided. Collection method: clinical testing. Allele origin: germline. Affected: yes. Study: VKGL Data-share Consensus. Not counted in ClinVar's aggregate classification.

Laboratory of Diagnostic Genome Analysis, Leiden University Medical Center (LUMC)
Classification: Pathogenic. Review status: no assertion criteria provided. Collection method: clinical testing. Allele origin: germline. Affected: yes. Study: VKGL Data-share Consensus. Not counted in ClinVar's aggregate classification.

Genomics and Molecular Medicine Service, East Genomic Laboratory Hub, NHS Genomic Medicine Service
Classification: Uncertain significance for Inherited breast cancer and ovarian cancer. Last evaluated: 2024-04-24. Review status: flagged submission. Criteria: ACGS Best Practice Guidelines for Variant Classification in Rare Disease 2020. Collection method: clinical testing. Allele origin: germline. Affected: yes. Not counted in ClinVar's aggregate classification.
Comment: PVS1_Moderate
ClinVar note: Reason: Outlier claim with insufficient supporting evidence

Literature cited by the submitters: PubMed 21876083 (cited by Labcorp Genetics (formerly Invitae), Labcorp and Sema4); PubMed 24713400 (cited by Labcorp Genetics (formerly Invitae), Labcorp and Sema4); PubMed 26023681 (cited by 6 submitters); PubMed 27039729 (cited by 5 submitters); PubMed 27510020 (cited by 3 submitters); PubMed 28724667 (cited by 4 submitters); PubMed 35710434 (cited by Quest Diagnostics Nichols Institute San Juan Capistrano); PubMed 32923877 (cited by Quest Diagnostics Nichols Institute San Juan Capistrano); PubMed 32805687 (cited by Quest Diagnostics Nichols Institute San Juan Capistrano); PubMed 33471991 (cited by 3 submitters); PubMed 24728327 (cited by 3 submitters); PubMed 29356917 (cited by Quest Diagnostics Nichols Institute San Juan Capistrano); PubMed 31589614 (cited by Quest Diagnostics Nichols Institute San Juan Capistrano); PubMed 32658311 (cited by 3 submitters); PubMed 32885271 (cited by 4 submitters); PubMed 28779002 (cited by Sema4 and Biotechnology, Institute of Science, Nirma University).